The following is an entry in ClinVar:

ClinVar aggregate classification (germline): Uncertain significance (1 of 4 stars; one submission).

Allele frequency attached by ClinVar (database versions not stated): ExAC 0.00001; gnomAD exomes 0.00001; TOPMed 0.00001.
gnomAD v4.1: 7 of 1,609,140 alleles (0.00044%); highest among the groups gnomAD compares: African/African-American, 0.0013%; no homozygotes.

Submission:

Labcorp Genetics (formerly Invitae), Labcorp
Classification: Uncertain significance. Last evaluated: 2022-04-04. Review status: criteria provided, single submitter. Criteria: Invitae Variant Classification Sherloc (09022015). Collection method: clinical testing. Allele origin: germline.
Comment: This sequence change replaces lysine, which is basic and polar, with arginine, which is basic and polar, at codon 294 of the GTPBP3 protein (p.Lys294Arg). This variant is present in population databases (rs759990229, gnomAD 0.007%). This variant has not been reported in the literature in individuals affected with GTPBP3-related conditions. Algorithms developed to predict the effect of missense changes on protein structure and function are either unavailable or do not agree on the potential impact of this missense change (SIFT: "Deleterious"; PolyPhen-2: "Probably Damaging"; Align-GVGD: "Class C0"). In summary, the available evidence is currently insufficient to determine the role of this variant in disease. Therefore, it has been classified as a Variant of Uncertain Significance.

NM_032620.4(GTPBP3):c.785A>G (p.Lys262Arg)

Gene: GTPBP3 (GTP binding protein 3, mitochondrial; plus strand). Cytogenetic location: 19p13.11.
Variant type: single nucleotide variant.
Coding change: c.785A>G on transcript NM_032620.4 (MANE Select); coding-DNA position 785, A replaced by G.
Protein change: p.Lys262Arg; replaces lysine 262 with arginine.
Molecular consequence: missense variant.
Genome position (GRCh38, 1-based): chr19:17,339,243, A>G. VCF-style: chr19-17339243-A-G. GRCh37 (hg19) VCF-style: chr19-17450052-A-G.
Other names: c.785A>G, p.Lys262Arg (NM_001128855.3); c.851A>G, p.Lys284Arg (NM_001195422.1); c.881A>G, p.Lys294Arg (NM_133644.4); short protein forms K284R, K262R, K294R.
Identifiers: ClinVar variation 2065961 (VCV002065961.1), dbSNP rs759990229, ClinGen allele CA9293502.